The following is an entry in ClinVar:

ClinVar aggregate classification (germline): Uncertain significance (1 of 4 stars; one submission).

gnomAD v4.1: 36 of 1,614,034 alleles (0.0022%); highest among the groups gnomAD compares: Non-Finnish European, 0.0028%; no homozygotes.

Submission:

Labcorp Genetics (formerly Invitae), Labcorp
Classification: Uncertain significance. Last evaluated: 2025-03-06. Review status: criteria provided, single submitter. Criteria: Invitae Variant Classification Sherloc (09022015). Collection method: clinical testing. Allele origin: germline.
Comment: This sequence change replaces proline, which is neutral and non-polar, with leucine, which is neutral and non-polar, at codon 792 of the ROR1 protein (p.Pro792Leu). This variant is present in population databases (rs372821612, gnomAD 0.004%). This variant has not been reported in the literature in individuals affected with ROR1-related conditions. Invitae Evidence Modeling of protein sequence and biophysical properties (such as structural, functional, and spatial information, amino acid conservation, physicochemical variation, residue mobility, and thermodynamic stability) indicates that this missense variant is not expected to disrupt ROR1 protein function with a negative predictive value of 80%. In summary, the available evidence is currently insufficient to determine the role of this variant in disease. Therefore, it has been classified as a Variant of Uncertain Significance.

NM_005012.4(ROR1):c.2375C>T (p.Pro792Leu)

Gene: ROR1 (receptor tyrosine kinase like orphan receptor 1; plus strand). Cytogenetic location: 1p31.3.
Variant type: single nucleotide variant.
Coding change: c.2375C>T on transcript NM_005012.4 (MANE Select); coding-DNA position 2375, C replaced by T.
Protein change: p.Pro792Leu; replaces proline 792 with leucine.
Molecular consequence: missense variant.
Genome position (GRCh38, 1-based): chr1:64,178,416, C>T. VCF-style: chr1-64178416-C-T. GRCh37 (hg19) VCF-style: chr1-64644099-C-T.
Other names: short protein forms P792L.
Identifiers: ClinVar variation 4699820 (VCV004699820.1).